The following is an entry in ClinVar:

NM_001958.5(EEF1A2):c.808G>A (p.Gly270Ser)

Gene: EEF1A2 (eukaryotic translation elongation factor 1 alpha 2; minus strand). Cytogenetic location: 20q13.33.
Variant type: single nucleotide variant.
Coding change: c.808G>A on transcript NM_001958.5 (MANE Select); coding-DNA position 808, G replaced by A.
Protein change: p.Gly270Ser; replaces glycine 270 with serine.
Molecular consequence: missense variant.
Genome position (GRCh38, 1-based): chr20:63,490,700, C>T on the plus strand (G>A on the coding strand, the complement: EEF1A2 is on the minus strand). VCF-style: chr20-63490700-C-T. GRCh37 (hg19) VCF-style: chr20-62122053-C-T.
Other names: c.808G>A (NM_001958.3); short protein forms G270S.
Identifiers: ClinVar variation 3716649 (VCV003716649.3).

ClinVar aggregate classification (germline): Uncertain significance. Review status: criteria provided, multiple submitters, no conflicts (2 of 4 stars). 2 submissions from 2 submitters: Uncertain significance (2). Last evaluated 2026-01-28.

Conditions:
Developmental and epileptic encephalopathy, 33 (DEE33). Also called: Epileptic encephalopathy, early infantile, 33. Identifiers: Orphanet 442835, MedGen C4225337, MONDO:0014625, OMIM 616409.

gnomAD v4.1: 2 of 1,606,922 alleles (0.00012%); no homozygotes.

Submissions (2):

GeneDx
Classification: Uncertain significance. Last evaluated: 2026-01-28. Review status: criteria provided, single submitter. Criteria: GeneDx Variant Classification Process June 2021. Collection method: clinical testing. Allele origin: germline.
Comment: Not observed at significant frequency in large population cohorts (gnomAD); In silico analysis supports that this missense variant has a deleterious effect on protein structure/function; Has not been previously published as pathogenic or benign to our knowledge

Labcorp Genetics (formerly Invitae), Labcorp
Classification: Uncertain significance for Developmental and epileptic encephalopathy, 33. Last evaluated: 2025-02-02. Review status: criteria provided, single submitter. Criteria: Invitae Variant Classification Sherloc (09022015). Collection method: clinical testing. Allele origin: germline.
Comment: This sequence change replaces glycine, which is neutral and non-polar, with serine, which is neutral and polar, at codon 270 of the EEF1A2 protein (p.Gly270Ser). This variant is not present in population databases (gnomAD no frequency). This variant has not been reported in the literature in individuals affected with EEF1A2-related conditions. Invitae Evidence Modeling of protein sequence and biophysical properties (such as structural, functional, and spatial information, amino acid conservation, physicochemical variation, residue mobility, and thermodynamic stability) indicates that this missense variant is not expected to disrupt EEF1A2 protein function with a negative predictive value of 80%. In summary, the available evidence is currently insufficient to determine the role of this variant in disease. Therefore, it has been classified as a Variant of Uncertain Significance.